The following is an entry in ClinVar:

ClinVar aggregate classification (germline): Uncertain significance (1 of 4 stars; one submission).

Conditions:
Brugada syndrome 8 (BRGDA8). Identifiers: Orphanet 130, MedGen C2751083, MONDO:0013148, OMIM 613123.

Submission:

Labcorp Genetics (formerly Invitae), Labcorp
Classification: Uncertain significance for Brugada syndrome 8. Last evaluated: 2024-04-08. Review status: criteria provided, single submitter. Criteria: Invitae Variant Classification Sherloc (09022015). Collection method: clinical testing. Allele origin: germline.
Comment: This sequence change replaces glycine, which is neutral and non-polar, with cysteine, which is neutral and slightly polar, at codon 1136 of the HCN4 protein (p.Gly1136Cys). This variant is not present in population databases (gnomAD no frequency). This variant has not been reported in the literature in individuals affected with HCN4-related conditions. ClinVar contains an entry for this variant (Variation ID: 1719643). Advanced modeling of protein sequence and biophysical properties (such as structural, functional, and spatial information, amino acid conservation, physicochemical variation, residue mobility, and thermodynamic stability) performed at Invitae indicates that this missense variant is not expected to disrupt HCN4 protein function with a negative predictive value of 80%. In summary, the available evidence is currently insufficient to determine the role of this variant in disease. Therefore, it has been classified as a Variant of Uncertain Significance.

NM_005477.3(HCN4):c.3406G>T (p.Gly1136Cys)

Gene: HCN4 (hyperpolarization activated cyclic nucleotide gated potassium channel 4; minus strand). Cytogenetic location: 15q24.1.
Variant type: single nucleotide variant.
Coding change: c.3406G>T on transcript NM_005477.3 (MANE Select); coding-DNA position 3406, G replaced by T.
Protein change: p.Gly1136Cys; replaces glycine 1136 with cysteine.
Molecular consequence: missense variant.
Genome position (GRCh38, 1-based): chr15:73,322,687, C>A on the plus strand (G>T on the coding strand, the complement: HCN4 is on the minus strand). VCF-style: chr15-73322687-C-A. GRCh37 (hg19) VCF-style: chr15-73615028-C-A.
Other names: short protein forms G1136C.
Identifiers: ClinVar variation 1719643 (VCV001719643.5), dbSNP rs761421530, ClinGen allele CA393085390.
Genomic context (GRCh38, chr15:73,322,687, plus strand): 5'-TCTTCCGAGGCAGAGTGACGTGCTGGCCGGGGATGGCACCATAGGGCCTCCCAGGGGGAC[C>A]GAGGCCCCCGCTGCTCCCACTGCCCCCGCTGCCACCCCCAGCCCTGGGGAAGAGCGGGAA-3'
Protein context (NP_005468.1, residues 1126-1146): SGGSGSSGGL[Gly1136Cys]PPGRPYGAIP